The following is an entry in ClinVar:

ClinVar aggregate classification (germline): Uncertain significance (1 of 4 stars; one submission).

Conditions:
CHARGE syndrome (CHARGE). Also called: Hittner Hirsch Kreh syndrome; CHARGE ASSOCIATION--COLOBOMA, HEART ANOMALY, CHOANAL ATRESIA, RETARDATION, GENITAL AND EAR ANOMALIES; Coloboma, heart anomaly, choanal atresia, retardation, genital and ear anomalies; CHARGE association; Hall-Hittner syndrome. Identifiers: Orphanet 138, MedGen C0265354, MONDO:0008965.

Submission:

Labcorp Genetics (formerly Invitae), Labcorp
Classification: Uncertain significance for CHARGE syndrome. Last evaluated: 2025-09-10. Review status: criteria provided, single submitter. Criteria: Invitae Variant Classification Sherloc (09022015). Collection method: clinical testing. Allele origin: germline.
Comment: This sequence change replaces aspartic acid, which is acidic and polar, with glutamic acid, which is acidic and polar, at codon 1638 of the CHD7 protein (p.Asp1638Glu). This variant is present in population databases (rs750002915, gnomAD 0.003%). This missense change has been observed in individual(s) with Kallmann syndrome (PMID: 29419413). Invitae Evidence Modeling of protein sequence and biophysical properties (such as structural, functional, and spatial information, amino acid conservation, physicochemical variation, residue mobility, and thermodynamic stability) has been performed for this missense variant. However, the output from this modeling did not meet the statistical confidence thresholds required to predict the impact of this variant on CHD7 protein function. In summary, the available evidence is currently insufficient to determine the role of this variant in disease. Therefore, it has been classified as a Variant of Uncertain Significance.

Literature cited by the submitters: PubMed 29419413.

NM_017780.4(CHD7):c.4914T>G (p.Asp1638Glu)

Gene: CHD7 (chromodomain helicase DNA binding protein 7; plus strand). Cytogenetic location: 8q12.2.
Variant type: single nucleotide variant.
Coding change: c.4914T>G on transcript NM_017780.4 (MANE Select); coding-DNA position 4914, T replaced by G.
Protein change: p.Asp1638Glu; replaces aspartic acid 1638 with glutamic acid.
Molecular consequence: missense variant. On other transcripts: intron variant (1).
Genome position (GRCh38, 1-based): chr8:60,844,927, T>G. VCF-style: chr8-60844927-T-G. GRCh37 (hg19) VCF-style: chr8-61757486-T-G.
Other names: c.1717-17302T>G (NM_001316690.1); short protein forms D1638E.
Identifiers: ClinVar variation 4707255 (VCV004707255.1).